The following is an entry in ClinVar:

NM_201384.3(PLEC):c.1720C>T (p.Arg574Trp)

Gene: PLEC (plectin; minus strand). Cytogenetic location: 8q24.3.
Variant type: single nucleotide variant.
Coding change: c.1720C>T on transcript NM_201384.3 (MANE Select); coding-DNA position 1720, C replaced by T.
Protein change: p.Arg574Trp; replaces arginine 574 with tryptophan.
Molecular consequence: missense variant.
Genome position (GRCh38, 1-based): chr8:143,932,810, G>A on the plus strand (C>T on the coding strand, the complement: PLEC is on the minus strand). VCF-style: chr8-143932810-G-A. GRCh37 (hg19) VCF-style: chr8-145006978-G-A.
Other names: c.1801C>T, p.Arg601Trp (NM_000445.5); c.1678C>T, p.Arg560Trp (NM_201378.4); c.1654C>T, p.Arg552Trp (NM_201379.3); c.2131C>T, p.Arg711Trp (NM_201380.4); c.1624C>T, p.Arg542Trp (NM_201381.3); c.1720C>T, p.Arg574Trp (NM_201382.4); c.1732C>T, p.Arg578Trp (NM_201383.3); short protein forms R552W, R574W, R542W, R560W, R578W, R601W, R711W.
Identifiers: ClinVar variation 1419071 (VCV001419071.6), dbSNP rs782724039, ClinGen allele CA4927894.

ClinVar aggregate classification (germline): Uncertain significance (1 of 4 stars; one submission).

Conditions:
Epidermolysis bullosa simplex 5B, with muscular dystrophy (EBS5B). Also called: EPIDERMOLYSIS BULLOSA SIMPLEX AND LIMB-GIRDLE MUSCULAR DYSTROPHY; Epidermolysis bullosa simplex with muscular dystrophy. Identifiers: Orphanet 257, MedGen C2931072, MONDO:0009181, OMIM 226670.
Epidermolysis bullosa simplex, Ogna type (EBS5A). Also called: EPIDERMOLYSIS BULLOSA SIMPLEX 5A, OGNA TYPE; Pidermolysis bullosa simplex 5A, Ogna type. Identifiers: Orphanet 79401, MedGen C0432317, MONDO:0007555, OMIM 131950.
Epidermolysis bullosa simplex with nail dystrophy (EBS5D). Identifiers: MedGen C4225309, MONDO:0014661, OMIM 616487.
Autosomal recessive limb-girdle muscular dystrophy type 2Q (LGMDR17). Also called: MUSCULAR DYSTROPHY, LIMB-GIRDLE, AUTOSOMAL RECESSIVE 17. Identifiers: Orphanet 254361, MedGen C3150989, MONDO:0013390, OMIM 613723.
Epidermolysis bullosa simplex 5C, with pyloric atresia (EBS5C). Also called: Epidermolysis bullosa simplex with pyloric atresia; PLEC-Related Epidermolysis Bullosa with Pyloric Atresia; PLEC1-Related Epidermolysis Bullosa with Pyloric Atresia. Identifiers: Orphanet 158684, MedGen C2677349, MONDO:0012807, OMIM 612138.

Allele frequency attached by ClinVar (database versions not stated): ExAC 0.00001; gnomAD 0.00001; gnomAD exomes 0.00001; TOPMed 0.00001.
gnomAD v4.1: 11 of 1,612,214 alleles (0.00068%); highest among the groups gnomAD compares: East Asian, 0.0022%; no homozygotes.

Submission:

Labcorp Genetics (formerly Invitae), Labcorp
Classification: Uncertain significance for Autosomal recessive limb-girdle muscular dystrophy type 2Q; Epidermolysis bullosa simplex, Ogna type; Epidermolysis bullosa simplex with nail dystrophy; Epidermolysis bullosa simplex 5C, with pyloric atresia; Epidermolysis bullosa simplex 5B, with muscular dystrophy. Last evaluated: 2024-02-28. Review status: criteria provided, single submitter. Criteria: Invitae Variant Classification Sherloc (09022015). Collection method: clinical testing. Allele origin: germline.
Comment: This sequence change replaces arginine, which is basic and polar, with tryptophan, which is neutral and slightly polar, at codon 601 of the PLEC protein (p.Arg601Trp). This variant is present in population databases (rs782724039, gnomAD 0.003%). This variant has not been reported in the literature in individuals affected with PLEC-related conditions. ClinVar contains an entry for this variant (Variation ID: 1419071). Advanced modeling of protein sequence and biophysical properties (such as structural, functional, and spatial information, amino acid conservation, physicochemical variation, residue mobility, and thermodynamic stability) performed at Invitae indicates that this missense variant is not expected to disrupt PLEC protein function with a negative predictive value of 80%. In summary, the available evidence is currently insufficient to determine the role of this variant in disease. Therefore, it has been classified as a Variant of Uncertain Significance.